The following is an entry in ClinVar:

ClinVar aggregate classification (germline): Uncertain significance. Review status: criteria provided, multiple submitters, no conflicts (2 of 4 stars). 3 submissions from 3 submitters: Uncertain significance (3). Last evaluated 2024-10-23.

Conditions:
Inborn genetic diseases. Identifiers: MedGen C0950123, MeSH D030342.

Allele frequency attached by ClinVar (database versions not stated): ExAC 0.00001; gnomAD exomes 0.00002 and 0.00005; TOPMed 0.00003; ESP Exome Variant Server 0.00008; gnomAD 0.00011.
gnomAD v4.1: 67 of 1,290,962 alleles (0.0052%); highest among the groups gnomAD compares: Non-Finnish European, 0.0067%; no homozygotes.

Submissions (3):

Blueprint Genetics
Classification: Uncertain significance. Last evaluated: 2024-10-23. Review status: criteria provided, single submitter. Criteria: ACMG Guidelines, 2015. Collection method: clinical testing. Allele origin: germline.

Ambry Genetics
Classification: Uncertain significance for Inborn genetic diseases. Last evaluated: 2022-11-08. Review status: criteria provided, single submitter. Criteria: Ambry Variant Classification Scheme 2023. Collection method: clinical testing. Allele origin: germline.

Labcorp Genetics (formerly Invitae), Labcorp
Classification: Uncertain significance. Last evaluated: 2022-08-31. Review status: criteria provided, single submitter. Criteria: Invitae Variant Classification Sherloc (09022015). Collection method: clinical testing. Allele origin: germline.
Comment: This sequence change replaces isoleucine, which is neutral and non-polar, with leucine, which is neutral and non-polar, at codon 746 of the PROM1 protein (p.Ile746Leu). In summary, the available evidence is currently insufficient to determine the role of this variant in disease. Therefore, it has been classified as a Variant of Uncertain Significance. Algorithms developed to predict the effect of missense changes on protein structure and function output the following: SIFT: "Tolerated"; PolyPhen-2: "Benign"; Align-GVGD: "Class C0". The leucine amino acid residue is found in multiple mammalian species, which suggests that this missense change does not adversely affect protein function. ClinVar contains an entry for this variant (Variation ID: 956727). This variant has not been reported in the literature in individuals affected with PROM1-related conditions. This variant is present in population databases (rs370133548, gnomAD 0.005%).

NM_006017.3(PROM1):c.2236A>C (p.Ile746Leu)

Gene: PROM1 (prominin 1; minus strand). Cytogenetic location: 4p15.32.
Variant type: single nucleotide variant.
Coding change: c.2236A>C on transcript NM_006017.3 (MANE Select); coding-DNA position 2236, A replaced by C.
Protein change: p.Ile746Leu; replaces isoleucine 746 with leucine.
Molecular consequence: missense variant.
Genome position (GRCh38, 1-based): chr4:15,985,804, T>G on the plus strand (A>C on the coding strand, the complement: PROM1 is on the minus strand). VCF-style: chr4-15985804-T-G. GRCh37 (hg19) VCF-style: chr4-15987427-T-G.
Other names: c.2209A>C, p.Ile737Leu (NM_001145847.2, NM_001145848.2, NM_001145851.2 and 4 more transcripts); c.2236A>C, p.Ile746Leu (NM_001145849.2, NM_001145850.2); short protein forms I737L, I746L.
Identifiers: ClinVar variation 956727 (VCV000956727.9), dbSNP rs370133548, ClinGen allele CA2866463.